The following is an entry in ClinVar:

ClinVar aggregate classification (germline): Uncertain significance (1 of 4 stars; one submission).

Conditions:
Cardiovascular phenotype. Identifiers: MedGen CN230736.
Hereditary cancer-predisposing syndrome. Also called: Neoplastic Syndromes, Hereditary; Tumor predisposition; Hereditary neoplastic syndrome; Hereditary Cancer Syndrome. Identifiers: Orphanet 140162, MedGen C0027672, MeSH D009386, MONDO:0015356.

gnomAD v4.1: 1 of 1,613,524 alleles (0.000062%); highest among the groups gnomAD compares: Non-Finnish European, 0.000085%; no homozygotes.

Submission:

Ambry Genetics
Classification: Uncertain significance for Cardiovascular phenotype; Hereditary cancer-predisposing syndrome. Last evaluated: 2026-06-16. Review status: criteria provided, single submitter. Criteria: Ambry Variant Classification Scheme 2023. Collection method: clinical testing. Allele origin: germline.
Comment: The p.G434E variant (also known as c.1301G>A), located in coding exon 12 of the LZTR1 gene, results from a G to A substitution at nucleotide position 1301. The glycine at codon 434 is replaced by glutamic acid, an amino acid with similar properties. This amino acid position is conserved. In addition, this alteration is predicted to be deleterious by in silico analysis. Based on the available evidence, the clinical significance of this variant remains unclear.

NM_006767.4(LZTR1):c.1301G>A (p.Gly434Glu)

Gene: LZTR1 (leucine zipper like post translational regulator 1; plus strand). Cytogenetic location: 22q11.21.
Variant type: single nucleotide variant.
Coding change: c.1301G>A on transcript NM_006767.4 (MANE Select); coding-DNA position 1301, G replaced by A.
Protein change: p.Gly434Glu; replaces glycine 434 with glutamic acid.
Molecular consequence: missense variant.
Genome position (GRCh38, 1-based): chr22:20,993,702, G>A. VCF-style: chr22-20993702-G-A. GRCh37 (hg19) VCF-style: chr22-21347991-G-A.
Other names: short protein forms G434E.
Identifiers: ClinVar variation 5023730 (VCV005023730.1).